The following is an entry in ClinVar:

ClinVar aggregate classification (germline): Uncertain significance (1 of 4 stars; one submission).

gnomAD v4.1: 3 of 1,613,856 alleles (0.00019%); highest among the groups gnomAD compares: Non-Finnish European, 0.00025%; no homozygotes.

Submission:

Labcorp Genetics (formerly Invitae), Labcorp
Classification: Uncertain significance. Last evaluated: 2024-12-05. Review status: criteria provided, single submitter. Criteria: Invitae Variant Classification Sherloc (09022015). Collection method: clinical testing. Allele origin: germline.
Comment: This sequence change replaces glutamic acid, which is acidic and polar, with aspartic acid, which is acidic and polar, at codon 1908 of the MYH14 protein (p.Glu1908Asp). This variant is not present in population databases (gnomAD no frequency). This variant has not been reported in the literature in individuals affected with MYH14-related conditions. Invitae Evidence Modeling of protein sequence and biophysical properties (such as structural, functional, and spatial information, amino acid conservation, physicochemical variation, residue mobility, and thermodynamic stability) indicates that this missense variant is not expected to disrupt MYH14 protein function with a negative predictive value of 80%. In summary, the available evidence is currently insufficient to determine the role of this variant in disease. Therefore, it has been classified as a Variant of Uncertain Significance.

NM_001145809.2(MYH14):c.5847G>C (p.Glu1949Asp)

Gene: MYH14 (myosin heavy chain 14; plus strand). Cytogenetic location: 19q13.33.
Variant type: single nucleotide variant.
Coding change: c.5847G>C on transcript NM_001145809.2 (MANE Select); coding-DNA position 5847, G replaced by C.
Protein change: p.Glu1949Asp; replaces glutamic acid 1949 with aspartic acid.
Molecular consequence: missense variant.
Genome position (GRCh38, 1-based): chr19:50,309,064, G>C. VCF-style: chr19-50309064-G-C. GRCh37 (hg19) VCF-style: chr19-50812321-G-C.
Other names: c.5748G>C, p.Glu1916Asp (NM_001077186.2); c.5724G>C, p.Glu1908Asp (NM_024729.4); short protein forms E1949D, E1916D, E1908D.
Identifiers: ClinVar variation 3665062 (VCV003665062.2).
Genomic context (GRCh38, chr19:50,309,064, plus strand): 5'-GCTGGAGAAGGGAAACCTTCGAGTCAAGCAGCTGAAGCGGCAGCTGGAGGAGGCCGAGGA[G>C]GAGGCATCCCGGGCTCAGGCCGGCCGCCGGAGGCTGCAGCGTGAGCTGGAAGATGTCACA-3'
Protein context (NP_001139281.1, residues 1939-1959): QLKRQLEEAE[Glu1949Asp]EASRAQAGRR